The following is an entry in ClinVar:

NM_002878.4(RAD51D):c.217G>T (p.Glu73Ter)

Genes: RAD51D (RAD51 paralog D; minus strand), RAD51L3-RFFL (RAD51L3-RFFL readthrough; minus strand). Cytogenetic location: 17q12.
Variant type: single nucleotide variant.
Coding change: c.217G>T on transcript NM_002878.4 (MANE Select); coding-DNA position 217, G replaced by T.
Protein change: p.Glu73Ter; replaces glutamic acid 73 with a stop codon.
Molecular consequence: nonsense. On other transcripts: intron variant (2).
Genome position (GRCh38, 1-based): chr17:35,118,547, C>A on the plus strand (G>T on the coding strand, the complement: RAD51D is on the minus strand). VCF-style: chr17-35118547-C-A. GRCh37 (hg19) VCF-style: chr17-33445566-C-A.
Other names: c.144+564G>T (NM_133629.3, NM_001142571.2); short protein forms E73*.
Identifiers: ClinVar variation 2045040 (VCV002045040.5), dbSNP rs369946779, ClinGen allele CA399091286.
Genomic context (GRCh38, chr17:35,118,547, plus strand): 5'-GTACACACACAAACCTGCCAATGCCAGTGGACAGGATGGCAGTGGAGGTCTTCAGTTCCT[C>A]GTAGAGATCAGCGCCATTCACGGGGAAAGCCGAGAACTGAGCCAGCAGCACCCGCCTCAG-3'

ClinVar aggregate classification (germline): Pathogenic. Review status: criteria provided, multiple submitters, no conflicts (2 of 4 stars). 2 submissions from 2 submitters: Pathogenic (2). Last evaluated 2025-10-29.

Conditions:
Breast-ovarian cancer, familial, susceptibility to, 4. Identifiers: Orphanet 145, MedGen C3280345, MONDO:0013669, OMIM 614291.

Submissions (2):

Myriad Genetics, Inc.
Classification: Pathogenic for Breast-ovarian cancer, familial, susceptibility to, 4. Last evaluated: 2025-10-29. Review status: criteria provided, single submitter. Criteria: Myriad Autosomal Dominant, Autosomal Recessive and X-Linked Classification Criteria (2023). Collection method: clinical testing. Allele origin: unknown.
Comment: This variant is considered pathogenic. This variant creates a termination codon and is predicted to result in premature protein truncation.

Labcorp Genetics (formerly Invitae), Labcorp
Classification: Pathogenic for Breast-ovarian cancer, familial, susceptibility to, 4. Last evaluated: 2022-08-16. Review status: criteria provided, single submitter. Criteria: Invitae Variant Classification Sherloc (09022015). Collection method: clinical testing. Allele origin: germline.
Comment: For these reasons, this variant has been classified as Pathogenic. This sequence change creates a premature translational stop signal (p.Glu73*) in the RAD51D gene. It is expected to result in an absent or disrupted protein product. Loss-of-function variants in RAD51D are known to be pathogenic (PMID: 21822267). This variant is not present in population databases (gnomAD no frequency). This variant has not been reported in the literature in individuals affected with RAD51D-related conditions. Algorithms developed to predict the effect of sequence changes on RNA splicing suggest that this variant may disrupt the consensus splice site.

Literature cited by the submitters: PubMed 21822267 (cited by Labcorp Genetics (formerly Invitae), Labcorp).